The following is an entry in ClinVar:

ClinVar aggregate classification (germline): Pathogenic (1 of 4 stars; one submission).

Conditions:
Developmental and epileptic encephalopathy, 9 (DEE9). Also called: JUBERG-HELLMAN SYNDROME; EPILEPSY, FEMALE-RESTRICTED, WITH MENTAL RETARDATION; PCDH19-Related X-Linked Female-Limited Epilepsy with Mental Retardation; Early infantile epileptic encephalopathy 9. Identifiers: Orphanet 101039, Orphanet 2076, MedGen C1848137, MONDO:0010246, OMIM 300088. Disease mechanism: loss of function.

Submission:

Labcorp Genetics (formerly Invitae), Labcorp
Classification: Pathogenic for Developmental and epileptic encephalopathy, 9. Last evaluated: 2020-06-19. Review status: criteria provided, single submitter. Criteria: Invitae Variant Classification Sherloc (09022015). Collection method: clinical testing. Allele origin: germline.
Comment: This variant is a gross deletion of the genomic region encompassing exon(s) 5 of the PCDH19 gene. While this deletion is not anticipated to result in nonsense mediated decay, it is expected to create a truncated protein product. This variant has not been reported in the literature in individuals with PCDH19-related conditions. This variant disrupts the C-terminus of the PCDH19 protein. Other variant(s) that disrupt this region (p.Asp968Glufs*18) have been determined to be pathogenic (PMID: 30451291). This suggests that variants that disrupt this region of the protein are likely to be causative of disease. For these reasons, this variant has been classified as Pathogenic.

Literature cited by the submitters: PubMed 30451291.

NC_000023.10:g.(?_99596891)_(99597083_?)del

Gene: PCDH19 (protocadherin 19; minus strand). Cytogenetic location: Xq22.1.
Variant type: Deletion.
Identifiers: ClinVar variation 1072976 (VCV001072976.1).